The following is an entry in ClinVar:

ClinVar aggregate classification (germline): Pathogenic. Review status: reviewed by expert panel (3 of 4 stars). 3 submissions from 3 submitters: Pathogenic (1). 2 of the submissions do not count toward it. Last evaluated 2026-09-26.

Conditions:
Primary ciliary dyskinesia. Also called: Ciliary dyskinesia. Identifiers: Orphanet 244, MedGen C0008780, MONDO:0016575, HP:0012265.
Retinitis pigmentosa 3. Also called: CHOROIDORETINAL DEGENERATION WITH RETINAL REFLEX IN HETEROZYGOUS WOMEN. Identifiers: Orphanet 791, MedGen C1845667, MONDO:0010227, OMIM 300029.
RPGR-related retinopathy. Also called: RPGR retinopathy. Identifiers: MedGen CN305589, MONDO:0100437.

Submissions (3):

ClinGen X-linked Inherited Retinal Disease Variant Curation Expert Panel, ClinGen
Classification: Pathogenic for RPGR-related retinopathy. Last evaluated: 2026-09-26. Review status: reviewed by expert panel. Criteria: ClinGen X LinkedIRD ACMG Specifications RPGR V1.0.0. Collection method: curation. Allele origin: germline. Inheritance: X-linked inheritance.
Comment: NM_001034853.2(RPGR):c.1415-9A>G is a non-coding variant located in intron 11, 9 nucleotides before exon 12. The splicing impact predictor SpliceAI gives a score of 0.98 (acceptor gain), which is above the ClinGen X-linked IRD VCEP recommended threshold of ≥0.2 and predicts a damaging impact on splicing. Fibroblast cells from an affected patient harboring the variant express an RPGR transcript that eight intronic base pairs between exons 11 and 12, causing a predicted frameshift and premature stop. (PMID: 25630948). The prediction and confirmation of the splicing defect were not counted for PP3 or PS3-Supporting but rather used in combination as evidence of loss-of-function impact (PMID: 37352859, PVS1(RNA)). This variant is absent from hemizygous individuals in gnomAD v4.1.0. This variant has been reported in at least 1 proband meeting one of the PS4 requirements of a male with some functional vision impairment by age 30 and/or decreased or absent ERG responses, or a female with functional visual abnormality and documentation of a male relative affected with retinitis pigmentosa, as well as a second apparently unrelated proband previously used for the PP4 code (PMIDs: 37107692, 35330501; PS4_Supporting). At least one proband harboring this variant exhibits a phenotype including X-linked inheritance (2pts), 2nd decade onset (1pt), nyctalopia (0.5pt), reduced visual acuity (0.5pt), high myopia (1pt), pigmentary retinopathy (0.5pt), optic nerve pallor (0.5), decreased FAF (0pt), visual field constriction (0.5), reduced ERG rod > cone (1pt), which together are specific for RPGR-related recessive retinopathy (7.5 points, PMID: 37107692, PP4). The variant has been reported to segregate with retinal dystrophy through an affected mother and son. (PP1; PMID: 37107692). In summary, this variant is classified as pathogenic) for RPGR-related retinopathy based on the ACMG/AMP criteria applied, as specified by the ClinGen X-linked IRD VCEP: PVS1, PP1, PP4, PM2_supporting, and PS4_supporting.

Labcorp Genetics (formerly Invitae), Labcorp
Classification: Uncertain significance for Primary ciliary dyskinesia. Last evaluated: 2025-04-28. Review status: criteria provided, single submitter. Criteria: Invitae Variant Classification Sherloc (09022015). Collection method: clinical testing. Allele origin: germline. Not counted in ClinVar's aggregate classification.
Comment: This sequence change falls in intron 11 of the RPGR gene. It does not directly change the encoded amino acid sequence of the RPGR protein. This variant is not present in population databases (gnomAD no frequency). This variant has been observed in individuals with retinitis pigmentosa (PMID: 37107692; internal data). ClinVar contains an entry for this variant (Variation ID: 1339960). Studies have shown that this variant is associated with inconclusive levels of altered splicing (PMID: 37107692). In summary, the available evidence is currently insufficient to determine the role of this variant in disease. Therefore, it has been classified as a Variant of Uncertain Significance.

Eye Genetics Research Group, Children's Medical Research Institute
Classification: Likely pathogenic for Retinitis pigmentosa 3. Last evaluated: 2022-01-01. Review status: criteria provided, single submitter. Criteria: ACMG Guidelines, 2015. Collection method: clinical testing. Allele origin: germline. Affected: yes. Not counted in ClinVar's aggregate classification.
Comment: Studies on patient fibroblast and patient derived iPSC-RPE and iPSC-RO RNA showed that the RPGR variant, c.1415-9A>G, acts as a new acceptor site for splicing and incorporates an extra 8bp (from intron 11) into the mRNA. The predicted outcome is a frameshift leading to a premature stop codon, p.Asp472Valfs*7, and is likely to result in a null allele due to nonsense-mediated mRNA decay. This variant is considered to be likely pathogenic according to the ACMG guidelines (evidence used: PM2, PP3, PS3).

Literature cited by the submitters: PubMed 37107692 (cited by Labcorp Genetics (formerly Invitae), Labcorp).

NM_001034853.2(RPGR):c.1415-9A>G

Gene: RPGR (retinitis pigmentosa GTPase regulator; minus strand). Cytogenetic location: Xp11.4.
Variant type: single nucleotide variant.
Coding change: c.1415-9A>G on transcript NM_001034853.2 (MANE Select); 9 bases into the intron before coding-DNA position 1415, A replaced by G.
Molecular consequence: intron variant.
Genome position (GRCh38, 1-based): chrX:38,291,493, T>C on the plus strand (A>G on the coding strand, the complement: RPGR is on the minus strand). VCF-style: chrX-38291493-T-C. GRCh37 (hg19) VCF-style: chrX-38150746-T-C.
Other names: c.1412-9A>G (NM_001367249.1, NM_001367250.1, NM_001367245.1); c.1229-9A>G (NM_001367251.1, NM_001367246.1); c.1415-9A>G (NM_001367247.1, NM_000328.3); c.1445-9A>G (NM_001367248.1).
Identifiers: ClinVar variation 1339960 (VCV001339960.4), dbSNP rs2067278631, ClinGen allele CA2580100829.